The following is an entry in ClinVar:

NM_022081.6(HPS4):c.1061C>G (p.Ser354Cys)

Gene: HPS4 (HPS4 biogenesis of lysosomal organelles complex 3 subunit 2; minus strand). Cytogenetic location: 22q12.1.
Variant type: single nucleotide variant.
Coding change: c.1061C>G on transcript NM_022081.6 (MANE Select); coding-DNA position 1061, C replaced by G.
Protein change: p.Ser354Cys; replaces serine 354 with cysteine.
Molecular consequence: missense variant. On other transcripts: non-coding transcript variant (8).
Genome position (GRCh38, 1-based): chr22:26,464,569, G>C on the plus strand (C>G on the coding strand, the complement: HPS4 is on the minus strand). VCF-style: chr22-26464569-G-C. GRCh37 (hg19) VCF-style: chr22-26860535-G-C.
Other names: c.1061C>G, p.Ser354Cys (NM_001349896.1, NM_001349898.2, NM_001349899.2 and 4 more transcripts); c.1115C>G, p.Ser372Cys (NM_001349900.2, NM_001349901.1); c.1046C>G, p.Ser349Cys (NM_152841.2); short protein forms S349C, S354C, S372C.
Identifiers: ClinVar variation 226656 (VCV000226656.13), dbSNP rs116769827, ClinGen allele CA10163413.

ClinVar aggregate classification (germline): Benign. Review status: criteria provided, multiple submitters, no conflicts (2 of 4 stars). 4 submissions from 4 submitters: Benign (4). Last evaluated 2019-12-31.

Conditions:
Hermansky-Pudlak syndrome 4 (HPS4). Identifiers: Orphanet 231500, Orphanet 79430, MedGen C3484357, MONDO:0013556, OMIM 614073.

Allele frequency attached by ClinVar (database versions not stated): gnomAD 0.00865 and 0.00819; ESP Exome Variant Server 0.00884; TOPMed 0.00890; 1000 Genomes Project 0.01098; 1000 Genomes Project 30x 0.01109; gnomAD exomes 0.00205; ExAC 0.00264.
gnomAD v4.1: 2,371 of 1,614,220 alleles (0.15%); highest among the groups gnomAD compares: African/African-American, 2.8%; 32 homozygotes.

Submissions (4):

Labcorp Genetics (formerly Invitae), Labcorp
Classification: Benign. Last evaluated: 2019-12-31. Review status: criteria provided, single submitter. Criteria: Invitae Variant Classification Sherloc (09022015). Collection method: clinical testing. Allele origin: germline.

Illumina Laboratory Services, Illumina
Classification: Benign for Hermansky-Pudlak syndrome 4. Last evaluated: 2018-01-13. Review status: criteria provided, single submitter. Criteria: ICSL Variant Classification Criteria 13 December 2019. Collection method: clinical testing. Allele origin: germline.
Comment: This variant was observed in the ICSL laboratory as part of a predisposition screen in an ostensibly healthy population. It had not been previously curated by ICSL or reported in the Human Gene Mutation Database (HGMD: prior to June 1st, 2018), and was therefore a candidate for classification through an automated scoring system. Utilizing variant allele frequency, disease prevalence and penetrance estimates, and inheritance mode, an automated score was calculated to assess if this variant is too frequent to cause the disease. Based on the score and internal cut-off values, a variant classified as benign is not then subjected to further curation. The score for this variant resulted in a classification of benign for this disease.

Laboratory for Molecular Medicine, Mass General Brigham Personalized Medicine
Classification: Benign. Last evaluated: 2013-02-21. Review status: criteria provided, single submitter. Criteria: LMM Criteria. Collection method: clinical testing. Allele origin: germline. Observed: 2 variant alleles.
Comment: Ser354Cys in exon 11 of HPS4: This variant is not expected to have clinical sign ificance because it has been identified in 2.6% (114/4406) of African American c hromosomes from a broad population by the NHLBI Exome Sequencing Project (dbSNP rs116769827).

Breakthrough Genomics
Classification: Benign. Review status: criteria provided, single submitter. Criteria: ACMG Guidelines, 2015. Collection method: not provided. Allele origin: germline. Inheritance: Autosomal recessive inheritance. Affected: yes.